The following is an entry in ClinVar:

ClinVar aggregate classification (germline): Likely benign. Review status: criteria provided, multiple submitters, no conflicts (2 of 4 stars). 3 submissions from 3 submitters: Likely benign (3). Last evaluated 2025-09-24.

Conditions:
EP300-related disorder. Also called: EP300-related condition; EP300-related disorders.
Rubinstein-Taybi syndrome due to EP300 haploinsufficiency. Also called: EP300-Related Rubinstein-Taybi Syndrome; RUBINSTEIN-TAYBI SYNDROME 2. Identifiers: Orphanet 353284, Orphanet 783, MedGen C3150941, MONDO:0013364, OMIM 613684.

Allele frequency attached by ClinVar (database versions not stated): ExAC 0.00002; gnomAD exomes 0.00003; TOPMed 0.00004; gnomAD 0.00005; ESP Exome Variant Server 0.00008.
gnomAD v4.1: 37 of 1,614,006 alleles (0.0023%); highest among the groups gnomAD compares: Middle Eastern, 0.016%; no homozygotes.

Submissions (3):

Labcorp Genetics (formerly Invitae), Labcorp
Classification: Likely benign for Rubinstein-Taybi syndrome due to EP300 haploinsufficiency. Last evaluated: 2025-09-24. Review status: criteria provided, single submitter. Criteria: Invitae Variant Classification Sherloc (09022015). Collection method: clinical testing. Allele origin: germline.

PreventionGenetics, part of Exact Sciences
Classification: Likely benign for EP300-related condition. Last evaluated: 2025-01-28. Review status: criteria provided, single submitter. Criteria: ACMG Guidelines, 2015. Collection method: clinical testing. Allele origin: germline.
Comment: This variant is classified as likely benign based on ACMG/AMP sequence variant interpretation guidelines (Richards et al. 2015 PMID: 25741868, with internal and published modifications).

Blueprint Genetics
Classification: Likely benign. Last evaluated: 2022-07-25. Review status: criteria provided, single submitter. Criteria: ACMG Guidelines, 2015. Collection method: clinical testing. Allele origin: germline.

NM_001429.4(EP300):c.270C>T (p.Ser90=)

Gene: EP300 (EP300 lysine acetyltransferase; plus strand). Cytogenetic location: 22q13.2.
Variant type: single nucleotide variant.
Coding change: c.270C>T on transcript NM_001429.4 (MANE Select); coding-DNA position 270, C replaced by T.
Protein change: p.Ser90=; no amino-acid change (serine 90 retained).
Molecular consequence: synonymous variant.
Genome position (GRCh38, 1-based): chr22:41,117,362, C>T. VCF-style: chr22-41117362-C-T. GRCh37 (hg19) VCF-style: chr22-41513366-C-T.
Other names: c.270C>T, p.Ser90= (NM_001362843.2).
Identifiers: ClinVar variation 752648 (VCV000752648.8), dbSNP rs367583060, ClinGen allele CA10252216.